The following is an entry in ClinVar:

NM_003954.5(MAP3K14):c.444G>C (p.Lys148Asn)

Gene: MAP3K14 (mitogen-activated protein kinase kinase kinase 14; minus strand). Cytogenetic location: 17q21.31.
Variant type: single nucleotide variant.
Coding change: c.444G>C on transcript NM_003954.5 (MANE Select); coding-DNA position 444, G replaced by C.
Protein change: p.Lys148Asn; replaces lysine 148 with asparagine.
Molecular consequence: missense variant.
Genome position (GRCh38, 1-based): chr17:45,287,247, C>G on the plus strand (G>C on the coding strand, the complement: MAP3K14 is on the minus strand). VCF-style: chr17-45287247-C-G. GRCh37 (hg19) VCF-style: chr17-43364613-C-G.
Other names: short protein forms K148N.
Identifiers: ClinVar variation 4754910 (VCV004754910.1).

ClinVar aggregate classification (germline): Uncertain significance (1 of 4 stars; one submission).

Conditions:
NIK deficiency. Also called: Primary immunodeficiency with multifaceted aberrant lymphoid immunity. Identifiers: Orphanet 447731, MedGen C5680065, MONDO:0018642.

gnomAD v4.1: 9 of 1,613,904 alleles (0.00056%); highest among the groups gnomAD compares: Non-Finnish European, 0.00076%; no homozygotes.

Submission:

Labcorp Genetics (formerly Invitae), Labcorp
Classification: Uncertain significance for NIK deficiency. Last evaluated: 2025-04-09. Review status: criteria provided, single submitter. Criteria: Invitae Variant Classification Sherloc (09022015). Collection method: clinical testing. Allele origin: germline.
Comment: This sequence change replaces lysine, which is basic and polar, with asparagine, which is neutral and polar, at codon 148 of the MAP3K14 protein (p.Lys148Asn). This variant is present in population databases (rs777842546, gnomAD 0.002%). This variant has not been reported in the literature in individuals affected with MAP3K14-related conditions. Experimental studies and prediction algorithms are not available or were not evaluated, and the functional significance of this variant is currently unknown. In summary, the available evidence is currently insufficient to determine the role of this variant in disease. Therefore, it has been classified as a Variant of Uncertain Significance.